The following is an entry in ClinVar:

NM_198586.3(NHLRC1):c.26G>A (p.Gly9Glu)

Gene: NHLRC1 (NHL repeat containing E3 ubiquitin protein ligase 1; minus strand). Cytogenetic location: 6p22.3.
Variant type: single nucleotide variant.
Coding change: c.26G>A on transcript NM_198586.3 (MANE Select); coding-DNA position 26, G replaced by A.
Protein change: p.Gly9Glu; replaces glycine 9 with glutamic acid.
Molecular consequence: missense variant.
Genome position (GRCh38, 1-based): chr6:18,122,581, C>T on the plus strand (G>A on the coding strand, the complement: NHLRC1 is on the minus strand). VCF-style: chr6-18122581-C-T. GRCh37 (hg19) VCF-style: chr6-18122812-C-T.
Other names: short protein forms G9E.
Identifiers: ClinVar variation 2091501 (VCV002091501.2), dbSNP rs1193160309, ClinGen allele CA362829756.

ClinVar aggregate classification (germline): Uncertain significance (1 of 4 stars; one submission).

Conditions:
Lafora disease. Also called: Epilepsy progressive myoclonic 2; Progressive Myoclonus Epilepsy, Lafora Type. Identifiers: Orphanet 501, MedGen C0751783, MONDO:0009697.

gnomAD v4.1: 2 of 1,596,402 alleles (0.00013%); no homozygotes.

Submission:

Labcorp Genetics (formerly Invitae), Labcorp
Classification: Uncertain significance for Lafora disease. Last evaluated: 2025-06-02. Review status: criteria provided, single submitter. Criteria: Invitae Variant Classification Sherloc (09022015). Collection method: clinical testing. Allele origin: germline.
Comment: This sequence change replaces glycine, which is neutral and non-polar, with glutamic acid, which is acidic and polar, at codon 9 of the NHLRC1 protein (p.Gly9Glu). This variant is present in population databases (no rsID available, gnomAD 0.001%). This variant has not been reported in the literature in individuals affected with NHLRC1-related conditions. ClinVar contains an entry for this variant (Variation ID: 2091501). Invitae Evidence Modeling of protein sequence and biophysical properties (such as structural, functional, and spatial information, amino acid conservation, physicochemical variation, residue mobility, and thermodynamic stability) indicates that this missense variant is not expected to disrupt NHLRC1 protein function with a negative predictive value of 95%. In summary, the available evidence is currently insufficient to determine the role of this variant in disease. Therefore, it has been classified as a Variant of Uncertain Significance.